The following is an entry in ClinVar:

ClinVar aggregate classification (germline): Uncertain significance. Review status: criteria provided, multiple submitters, no conflicts (2 of 4 stars). 3 submissions from 3 submitters: Uncertain significance (2). 1 of the submissions does not count toward it. Last evaluated 2025-04-18.

Conditions:
Alstrom syndrome (ALMS). Identifiers: Orphanet 64, MedGen C0268425, MONDO:0008763, OMIM 203800.

Allele frequency attached by ClinVar (database versions not stated): gnomAD exomes below 0.00001; gnomAD 0.00001 and 0.00002; TOPMed 0.00001.
gnomAD v4.1: 9 of 1,614,040 alleles (0.00056%); highest among the groups gnomAD compares: East Asian, 0.0022%; no homozygotes.

Submissions (3):

GeneDx
Classification: Uncertain significance. Last evaluated: 2025-04-18. Review status: criteria provided, single submitter. Criteria: GeneDx Variant Classification Process June 2021. Collection method: clinical testing. Allele origin: germline. Affected: yes.
Comment: Not observed at significant frequency in large population cohorts (gnomAD); In silico analysis supports that this missense variant has a deleterious effect on protein structure/function; Has not been previously published as pathogenic or benign to our knowledge

Blueprint Genetics
Classification: Uncertain significance. Last evaluated: 2023-12-08. Review status: criteria provided, single submitter. Criteria: ACMG Guidelines, 2015. Collection method: clinical testing. Allele origin: germline.

Counsyl
Classification: Uncertain significance for Alstrom syndrome. Last evaluated: 2018-05-21. Review status: no assertion criteria provided. Collection method: clinical testing. Allele origin: unknown. Not counted in ClinVar's aggregate classification.

NM_001378454.1(ALMS1):c.12172C>T (p.Arg4058Cys)

Genes: ALMS1 (ALMS1 centrosome and basal body associated protein; plus strand), LOC126806252 (BRD4-independent group 4 enhancer GRCh37_chr2:73828496-73829695; plus strand). Cytogenetic location: 2p13.1.
Variant type: single nucleotide variant.
Coding change: c.12172C>T on transcript NM_001378454.1 (MANE Select); coding-DNA position 12172, C replaced by T.
Protein change: p.Arg4058Cys; replaces arginine 4058 with cysteine.
Molecular consequence: missense variant.
Genome position (GRCh38, 1-based): chr2:73,602,242, C>T. VCF-style: chr2-73602242-C-T. GRCh37 (hg19) VCF-style: chr2-73829369-C-T.
Other names: c.12175C>T, p.Arg4059Cys (NM_015120.4); short protein forms R4059C, R4058C.
Identifiers: ClinVar variation 558391 (VCV000558391.6), dbSNP rs1270753573, ClinGen allele CA347267939.
Genomic context (GRCh38, chr2:73,602,242, plus strand): 5'-TAGGAATCGCTTCAGTTTCACAGACCTGACTTCATCTCCCGCTCTGGGGAGCGGATAAAG[C>T]GCCTGAAGTTAATAGTCCAGGAGAGGAAGCTGCAGAGCATGTTACAGACCGAGCGGGATG-3'
Protein context (NP_001365383.1, residues 4048-4068): FISRSGERIK[Arg4058Cys]LKLIVQERKL